The following is an entry in ClinVar:

ClinVar aggregate classification (germline): Likely pathogenic (1 of 4 stars; one submission).

Submission:

Labcorp Genetics (formerly Invitae), Labcorp
Classification: Likely pathogenic. Last evaluated: 2023-07-21. Review status: criteria provided, single submitter. Criteria: Invitae Variant Classification Sherloc (09022015). Collection method: clinical testing. Allele origin: germline.
Comment: This sequence change affects a donor splice site in intron 10 of the IMPG1 gene. It is expected to disrupt RNA splicing. Variants that disrupt the donor or acceptor splice site typically lead to a loss of protein function (PMID: 16199547), and loss-of-function variants in IMPG1 are known to be pathogenic (PMID: 23993198). This variant is not present in population databases (gnomAD no frequency). This variant has not been reported in the literature in individuals affected with IMPG1-related conditions. ClinVar contains an entry for this variant (Variation ID: 1479213). Algorithms developed to predict the effect of sequence changes on RNA splicing suggest that this variant may disrupt the consensus splice site. In summary, the currently available evidence indicates that the variant is pathogenic, but additional data are needed to prove that conclusively. Therefore, this variant has been classified as Likely Pathogenic.

Literature cited by the submitters: PubMed 16199547; PubMed 23993198.

NM_001563.4(IMPG1):c.1135+2T>C

Gene: IMPG1 (interphotoreceptor matrix proteoglycan 1; minus strand). Cytogenetic location: 6q14.1.
Variant type: single nucleotide variant.
Coding change: c.1135+2T>C on transcript NM_001563.4 (MANE Select); the canonical splice donor site of the intron after coding-DNA position 1135, T replaced by C.
Molecular consequence: splice donor variant.
Genome position (GRCh38, 1-based): chr6:76,005,285, A>G on the plus strand (T>C on the coding strand, the complement: IMPG1 is on the minus strand). VCF-style: chr6-76005285-A-G. GRCh37 (hg19) VCF-style: chr6-76715002-A-G.
Other names: c.901+2T>C (NM_001282368.2).
Identifiers: ClinVar variation 1479213 (VCV001479213.8), dbSNP rs2149477595, ClinGen allele CA364772764.